The following is an entry in ClinVar:

NM_000321.3(RB1):c.820A>G (p.Ile274Val)

Gene: RB1 (RB transcriptional corepressor 1; plus strand). Cytogenetic location: 13q14.2.
Variant type: single nucleotide variant.
Coding change: c.820A>G on transcript NM_000321.3 (MANE Select); coding-DNA position 820, A replaced by G.
Protein change: p.Ile274Val; replaces isoleucine 274 with valine.
Molecular consequence: missense variant.
Genome position (GRCh38, 1-based): chr13:48,362,916, A>G. VCF-style: chr13-48362916-A-G. GRCh37 (hg19) VCF-style: chr13-48937052-A-G.
Other names: c.820A>G, p.Ile274Val (NM_001407165.1, NM_001407166.1); short protein forms I274V.
Identifiers: ClinVar variation 2585749 (VCV002585749.2), dbSNP rs576147971, ClinGen allele CA249274439.

ClinVar aggregate classification (germline): Uncertain significance (1 of 4 stars; one submission).

Conditions:
Hereditary cancer-predisposing syndrome. Also called: Hereditary neoplastic syndrome; Tumor predisposition; Hereditary Cancer Syndrome; Neoplastic Syndromes, Hereditary. Identifiers: Orphanet 140162, MedGen C0027672, MeSH D009386, MONDO:0015356.

Allele frequency attached by ClinVar (database versions not stated): TOPMed below 0.00001.
gnomAD v4.1: 3 of 1,613,894 alleles (0.00019%); highest among the groups gnomAD compares: Non-Finnish European, 0.00025%; no homozygotes.

Submission:

Ambry Genetics
Classification: Uncertain significance for Hereditary cancer-predisposing syndrome. Last evaluated: 2023-09-06. Review status: criteria provided, single submitter. Criteria: Ambry Variant Classification Scheme 2023. Collection method: clinical testing. Allele origin: germline.
Comment: The p.I274V variant (also known as c.820A>G), located in coding exon 8 of the RB1 gene, results from an A to G substitution at nucleotide position 820. The isoleucine at codon 274 is replaced by valine, an amino acid with highly similar properties. This amino acid position is conserved. In addition, the in silico prediction for this alteration is inconclusive. Since supporting evidence is limited at this time, the clinical significance of this alteration remains unclear.